The following is an entry in ClinVar:

ClinVar aggregate classification (germline): Uncertain significance (1 of 4 stars; one submission).

gnomAD v4.1: 1 of 1,614,194 alleles (0.000062%); highest among the groups gnomAD compares: Non-Finnish European, 0.000085%; no homozygotes.

Submission:

Labcorp Genetics (formerly Invitae), Labcorp
Classification: Uncertain significance. Last evaluated: 2022-07-05. Review status: criteria provided, single submitter. Criteria: Invitae Variant Classification Sherloc (09022015). Collection method: clinical testing. Allele origin: germline.
Comment: ClinVar contains an entry for this variant (Variation ID: 1476199). In summary, the available evidence is currently insufficient to determine the role of this variant in disease. Therefore, it has been classified as a Variant of Uncertain Significance. Algorithms developed to predict the effect of missense changes on protein structure and function are either unavailable or do not agree on the potential impact of this missense change (SIFT: "Not Available"; PolyPhen-2: "Benign"; Align-GVGD: "Not Available"). This variant has not been reported in the literature in individuals affected with ADAMTS18-related conditions. This variant is not present in population databases (gnomAD no frequency). This sequence change replaces glutamine, which is neutral and polar, with leucine, which is neutral and non-polar, at codon 187 of the ADAMTS18 protein (p.Gln187Leu).

NM_199355.4(ADAMTS18):c.560A>T (p.Gln187Leu)

Gene: ADAMTS18 (ADAM metallopeptidase with thrombospondin type 1 motif 18; minus strand). Cytogenetic location: 16q23.1.
Variant type: single nucleotide variant.
Coding change: c.560A>T on transcript NM_199355.4 (MANE Select); coding-DNA position 560, A replaced by T.
Protein change: p.Gln187Leu; replaces glutamine 187 with leucine.
Molecular consequence: missense variant.
Genome position (GRCh38, 1-based): chr16:77,367,659, T>A on the plus strand (A>T on the coding strand, the complement: ADAMTS18 is on the minus strand). VCF-style: chr16-77367659-T-A. GRCh37 (hg19) VCF-style: chr16-77401556-T-A.
Other names: c.40A>T, p.Arg14Trp (NM_001326358.2); short protein forms Q187L, R14W.
Identifiers: ClinVar variation 1476199 (VCV001476199.8), dbSNP rs762778579, ClinGen allele CA396825871.